The following is an entry in ClinVar:

NM_001845.6(COL4A1):c.1622G>A (p.Gly541Asp)

Gene: COL4A1 (collagen type IV alpha 1 chain; minus strand). Cytogenetic location: 13q34.
Variant type: single nucleotide variant.
Coding change: c.1622G>A on transcript NM_001845.6 (MANE Select); coding-DNA position 1622, G replaced by A.
Protein change: p.Gly541Asp; replaces glycine 541 with aspartic acid.
Molecular consequence: missense variant.
Genome position (GRCh38, 1-based): chr13:110,187,244, C>T on the plus strand (G>A on the coding strand, the complement: COL4A1 is on the minus strand). VCF-style: chr13-110187244-C-T. GRCh37 (hg19) VCF-style: chr13-110839591-C-T.
Other names: short protein forms G541D.
Identifiers: ClinVar variation 4746049 (VCV004746049.1).

ClinVar aggregate classification (germline): Uncertain significance (1 of 4 stars; one submission).

Submission:

Labcorp Genetics (formerly Invitae), Labcorp
Classification: Uncertain significance. Last evaluated: 2025-03-16. Review status: criteria provided, single submitter. Criteria: Invitae Variant Classification Sherloc (09022015). Collection method: clinical testing. Allele origin: germline.
Comment: This sequence change replaces glycine, which is neutral and non-polar, with aspartic acid, which is acidic and polar, at codon 541 of the COL4A1 protein (p.Gly541Asp). This variant is not present in population databases (gnomAD no frequency). This variant has not been reported in the literature in individuals affected with COL4A1-related conditions. Invitae Evidence Modeling of protein sequence and biophysical properties (such as structural, functional, and spatial information, amino acid conservation, physicochemical variation, residue mobility, and thermodynamic stability) indicates that this missense variant is expected to disrupt COL4A1 protein function with a positive predictive value of 95%. In summary, the available evidence is currently insufficient to determine the role of this variant in disease. Therefore, it has been classified as a Variant of Uncertain Significance.